The following is an entry in ClinVar:

ClinVar aggregate classification (germline): Likely benign. Review status: criteria provided, multiple submitters, no conflicts (2 of 4 stars). 4 submissions from 4 submitters: Likely benign (3). 1 of the submissions does not count toward it. Last evaluated 2026-07-01.

Conditions:
Cardiovascular phenotype. Identifiers: MedGen CN230736.
Dilated cardiomyopathy 1G (CMD1G). Identifiers: Orphanet 154, MedGen C1858763, MONDO:0011400, OMIM 604145.
Autosomal recessive limb-girdle muscular dystrophy type 2J (LGMDR10). Also called: MUSCULAR DYSTROPHY, LIMB-GIRDLE, AUTOSOMAL RECESSIVE 10; Limb-girdle muscular dystrophy, type 2J. Identifiers: Orphanet 140922, MedGen C1837342, MONDO:0012127, OMIM 608807.
TTN-related disorder. Also called: TTN-related disorders; TTN-related condition; TTN-related disease.

Allele frequency attached by ClinVar (database versions not stated): gnomAD exomes below 0.00001; ExAC 0.00001; gnomAD 0.00001; TOPMed 0.00003.
gnomAD v4.1: 3 of 1,613,418 alleles (0.00019%); highest among the groups gnomAD compares: Admixed American, 0.0033%; no homozygotes.

Submissions (4):

CeGaT Center for Human Genetics Tuebingen
Classification: Likely benign. Last evaluated: 2026-07-01. Review status: criteria provided, single submitter. Criteria: CeGaT Center For Human Genetics Tuebingen Variant Classification Criteria Version 2. Collection method: clinical testing. Allele origin: germline. Affected: yes. Observed: 1 variant allele.
Comment: TTN: BP4, BP7

Labcorp Genetics (formerly Invitae), Labcorp
Classification: Likely benign for Dilated cardiomyopathy 1G; Autosomal recessive limb-girdle muscular dystrophy type 2J. Last evaluated: 2025-05-21. Review status: criteria provided, single submitter. Criteria: Invitae Variant Classification Sherloc (09022015). Collection method: clinical testing. Allele origin: germline.

Ambry Genetics
Classification: Likely benign for Cardiovascular phenotype. Last evaluated: 2024-04-06. Review status: criteria provided, single submitter. Criteria: Ambry Variant Classification Scheme 2023. Collection method: clinical testing. Allele origin: germline.

PreventionGenetics, part of Exact Sciences
Classification: Likely benign for TTN-related condition. Last evaluated: 2020-08-12. Review status: no assertion criteria provided. Collection method: clinical testing. Allele origin: germline. Not counted in ClinVar's aggregate classification.
Comment: This variant is classified as likely benign based on ACMG/AMP sequence variant interpretation guidelines (Richards et al. 2015 PMID: 25741868, with internal and published modifications).

NM_001267550.2(TTN):c.59145T>C (p.Tyr19715=)

Genes: TTN (titin; minus strand), TTN-AS1 (TTN antisense RNA 1; plus strand). Cytogenetic location: 2q31.2.
Variant type: single nucleotide variant.
Coding change: c.59145T>C on transcript NM_001267550.2 (MANE Select); coding-DNA position 59145, T replaced by C.
Protein change: p.Tyr19715=; no amino-acid change (tyrosine 19715 retained).
Molecular consequence: synonymous variant.
Genome position (GRCh38, 1-based): chr2:178,592,974, A>G on the plus strand (T>C on the coding strand, the complement: TTN is on the minus strand). VCF-style: chr2-178592974-A-G. GRCh37 (hg19) VCF-style: chr2-179457701-A-G.
Other names: c.54222T>C, p.Tyr18074= (NM_001256850.1); c.31950T>C, p.Tyr10650= (NM_003319.4); c.51441T>C, p.Tyr17147= (NM_133378.4); c.32325T>C, p.Tyr10775= (NM_133432.3); c.32526T>C, p.Tyr10842= (NM_133437.4).
Identifiers: ClinVar variation 2932185 (VCV002932185.7), dbSNP rs753468403, ClinGen allele CA1992711.